The following is an entry in ClinVar:

NM_002878.4(RAD51D):c.246G>A (p.Leu82=)

Genes: RAD51L3-RFFL (RAD51L3-RFFL readthrough; minus strand), RAD51D (RAD51 paralog D; minus strand). Cytogenetic location: 17q12.
Variant type: single nucleotide variant.
Coding change: c.246G>A on transcript NM_002878.4 (MANE Select); coding-DNA position 246, G replaced by A.
Protein change: p.Leu82=; no amino-acid change (leucine 82 retained).
Molecular consequence: synonymous variant. On other transcripts: intron variant (2).
Genome position (GRCh38, 1-based): chr17:35,118,518, C>T on the plus strand (G>A on the coding strand, the complement: RAD51D is on the minus strand). VCF-style: chr17-35118518-C-T. GRCh37 (hg19) VCF-style: chr17-33445537-C-T.
Other names: c.144+593G>A (NM_133629.3, NM_001142571.2).
Identifiers: ClinVar variation 2878067 (VCV002878067.4), dbSNP rs778585939, ClinGen allele CA8499621.

ClinVar aggregate classification (germline): Benign/Likely benign. Review status: criteria provided, multiple submitters, no conflicts (2 of 4 stars). 2 submissions from 2 submitters: Benign (1); Likely benign (1). Last evaluated 2025-02-20.

Conditions:
Breast-ovarian cancer, familial, susceptibility to, 4. Identifiers: Orphanet 145, MedGen C3280345, MONDO:0013669, OMIM 614291.

Allele frequency attached by ClinVar (database versions not stated): gnomAD exomes below 0.00001; ExAC 0.00001.
gnomAD v4.1: 1 of 1,613,910 alleles (0.000062%); highest among the groups gnomAD compares: South Asian, 0.0011%; no homozygotes.

Submissions (2):

Myriad Genetics, Inc.
Classification: Benign for Breast-ovarian cancer, familial, susceptibility to, 4. Last evaluated: 2025-02-20. Review status: criteria provided, single submitter. Criteria: Myriad Autosomal Dominant, Autosomal Recessive and X-Linked Classification Criteria (2023). Collection method: clinical testing. Allele origin: unknown.
Comment: This variant is considered benign. This variant is a silent/synonymous amino acid change and it is not expected to impact splicing.

Labcorp Genetics (formerly Invitae), Labcorp
Classification: Likely benign for Breast-ovarian cancer, familial, susceptibility to, 4. Last evaluated: 2023-02-16. Review status: criteria provided, single submitter. Criteria: Invitae Variant Classification Sherloc (09022015). Collection method: clinical testing. Allele origin: germline.